The following is an entry in ClinVar:

NM_001429.4(EP300):c.563C>G (p.Pro188Arg)

Gene: EP300 (E1A binding protein p300; plus strand). Cytogenetic location: 22q13.2.
Variant type: single nucleotide variant.
Coding change: c.563C>G on transcript NM_001429.4 (MANE Select); coding-DNA position 563, C replaced by G.
Protein change: p.Pro188Arg; replaces proline 188 with arginine.
Molecular consequence: missense variant.
Genome position (GRCh38, 1-based): chr22:41,117,655, C>G. VCF-style: chr22-41117655-C-G. GRCh37 (hg19) VCF-style: chr22-41513659-C-G.
Other names: c.563C>G, p.Pro188Arg (NM_001362843.2); short protein forms P188R.
Identifiers: ClinVar variation 3572836 (VCV003572836.1).

ClinVar aggregate classification (germline): Uncertain significance (1 of 4 stars; one submission).

Submission:

GeneDx
Classification: Uncertain significance. Last evaluated: 2024-07-10. Review status: criteria provided, single submitter. Criteria: GeneDx Variant Classification Process June 2021. Collection method: clinical testing. Allele origin: germline. Affected: yes.
Comment: Not observed at significant frequency in large population cohorts (gnomAD); In silico analysis indicates that this missense variant does not alter protein structure/function; Has not been previously published as pathogenic or benign to our knowledge